The following is an entry in ClinVar:

ClinVar aggregate classification (germline): Uncertain significance (1 of 4 stars; one submission).

Submission:

Ambry Genetics
Classification: Uncertain significance. Last evaluated: 2025-10-18. Review status: criteria provided, single submitter. Criteria: Ambry Variant Classification Scheme 2023. Collection method: clinical testing. Allele origin: germline.
Comment: The c.4993G>T (p.A1665S) alteration is located in exon 6 (coding exon 3) of the ADGRG4 gene. This alteration results from a G to T substitution at nucleotide position 4993, causing the alanine (A) at amino acid position 1665 to be replaced by a serine (S). Based on data from gnomAD, the T allele has an overall frequency of <0.001% (1/182528) total alleles studied. The highest observed frequency was 0.007% (1/13857) of East Asian alleles. Based on insufficient or conflicting evidence, the clinical significance of this alteration remains unclear.

NM_153834.4(ADGRG4):c.4993G>T (p.Ala1665Ser)

Gene: ADGRG4 (adhesion G protein-coupled receptor G4; plus strand). Cytogenetic location: Xq26.3.
Variant type: single nucleotide variant.
Coding change: c.4993G>T on transcript NM_153834.4 (MANE Select); coding-DNA position 4993, G replaced by T.
Protein change: p.Ala1665Ser; replaces alanine 1665 with serine.
Molecular consequence: missense variant.
Genome position (GRCh38, 1-based): chrX:136,348,699, G>T. VCF-style: chrX-136348699-G-T. GRCh37 (hg19) VCF-style: chrX-135430858-G-T.
Other names: short protein forms A1665S.
Identifiers: ClinVar variation 4638367 (VCV004638367.1).